The following is an entry in ClinVar:

NM_001371986.1(UNC80):c.4161A>T (p.Arg1387Ser)

Gene: UNC80 (unc-80 subunit of NALCN channel complex; plus strand). Cytogenetic location: 2q34.
Variant type: single nucleotide variant.
Coding change: c.4161A>T on transcript NM_001371986.1 (MANE Select); coding-DNA position 4161, A replaced by T.
Protein change: p.Arg1387Ser; replaces arginine 1387 with serine.
Molecular consequence: missense variant.
Genome position (GRCh38, 1-based): chr2:209,888,145, A>T. VCF-style: chr2-209888145-A-T. GRCh37 (hg19) VCF-style: chr2-210752869-A-T.
Other names: c.4167A>T (NM_032504.1); c.4167A>T, p.Arg1389Ser (NM_032504.2); c.4152A>T, p.Arg1384Ser (NM_182587.4); short protein forms R1384S, R1389S, R1387S.
Identifiers: ClinVar variation 1390685 (VCV001390685.7), dbSNP rs959056070, ClinGen allele CA65037018.

ClinVar aggregate classification (germline): Uncertain significance. Review status: criteria provided, multiple submitters, no conflicts (2 of 4 stars). 2 submissions from 2 submitters: Uncertain significance (2). Last evaluated 2024-12-11.

Conditions:
Inborn genetic diseases. Identifiers: MedGen C0950123, MeSH D030342.

Allele frequency attached by ClinVar (database versions not stated): gnomAD 0.00001; TOPMed 0.00001.
gnomAD v4.1: 12 of 1,551,598 alleles (0.00077%); highest among the groups gnomAD compares: Non-Finnish European, 0.001%; no homozygotes.

Submissions (2):

Ambry Genetics
Classification: Uncertain significance for Inborn genetic diseases. Last evaluated: 2024-12-11. Review status: criteria provided, single submitter. Criteria: Ambry Variant Classification Scheme 2023. Collection method: clinical testing. Allele origin: germline.

Labcorp Genetics (formerly Invitae), Labcorp
Classification: Uncertain significance. Last evaluated: 2022-10-26. Review status: criteria provided, single submitter. Criteria: Invitae Variant Classification Sherloc (09022015). Collection method: clinical testing. Allele origin: germline.
Comment: This sequence change replaces arginine, which is basic and polar, with serine, which is neutral and polar, at codon 1389 of the UNC80 protein (p.Arg1389Ser). This variant is present in population databases (no rsID available, gnomAD 0.002%). This variant has not been reported in the literature in individuals affected with UNC80-related conditions. ClinVar contains an entry for this variant (Variation ID: 1390685). Algorithms developed to predict the effect of missense changes on protein structure and function are either unavailable or do not agree on the potential impact of this missense change (SIFT: "Not Available"; PolyPhen-2: "Benign"; Align-GVGD: "Not Available"). In summary, the available evidence is currently insufficient to determine the role of this variant in disease. Therefore, it has been classified as a Variant of Uncertain Significance.